The following is an entry in ClinVar:

NM_006096.4(NDRG1):c.807+253C>T

Gene: NDRG1 (N-myc downstream regulated 1; minus strand). Cytogenetic location: 8q24.22.
Variant type: single nucleotide variant.
Coding change: c.807+253C>T on transcript NM_006096.4 (MANE Select); 253 bases into the intron after coding-DNA position 807, C replaced by T.
Molecular consequence: intron variant.
Genome position (GRCh38, 1-based): chr8:133,247,622, G>A on the plus strand (C>T on the coding strand, the complement: NDRG1 is on the minus strand). VCF-style: chr8-133247622-G-A. GRCh37 (hg19) VCF-style: chr8-134259865-G-A.
Other names: c.609+253C>T (NM_001258432.2, NM_001374847.1); c.564+253C>T (NM_001258433.2); c.858+253C>T (NM_001374844.1); c.807+253C>T (NM_001135242.2, NM_001374845.1, NM_001374846.1).
Identifiers: ClinVar variation 671679 (VCV000671679.1), dbSNP rs35007862, ClinGen allele CA12848549.

ClinVar aggregate classification (germline): Benign (1 of 4 stars; one submission).

Allele frequency attached by ClinVar (database versions not stated): 1000 Genomes Project 30x 0.05340; 1000 Genomes Project 0.05371; gnomAD 0.09782 and 0.10045; TOPMed 0.10062.
gnomAD v4.1: 15,027 of 152,314 alleles (9.9%); highest among the groups gnomAD compares: Non-Finnish European, 15%; 1,035 homozygotes.

Submission:

GeneDx
Classification: Benign. Last evaluated: 2018-06-19. Review status: criteria provided, single submitter. Criteria: GeneDx Variant Classification (06012015). Collection method: clinical testing. Allele origin: germline. Affected: yes.
Comment: This variant is considered likely benign or benign based on one or more of the following criteria: it is a conservative change, it occurs at a poorly conserved position in the protein, it is predicted to be benign by multiple in silico algorithms, and/or has population frequency not consistent with disease.